The following is an entry in ClinVar:

ClinVar aggregate classification (germline): Uncertain significance (1 of 4 stars; one submission).

Conditions:
Episodic ataxia type 1 (EA1). Also called: ATAXIA, EPISODIC, WITH MYOKYMIA; MYOKYMIA WITH PERIODIC ATAXIA; PAROXYSMAL ATAXIA WITH NEUROMYOTONIA, HEREDITARY; Episodic ataxia/myokymia syndrome. Identifiers: Orphanet 37612, Orphanet 972, MedGen C1719788, MONDO:0008047, OMIM 160120.

gnomAD v4.1: 1 of 1,613,926 alleles (0.000062%); highest among the groups gnomAD compares: Admixed American, 0.0017%; no homozygotes.

Submission:

Labcorp Genetics (formerly Invitae), Labcorp
Classification: Uncertain significance for Episodic ataxia type 1. Last evaluated: 2024-04-03. Review status: criteria provided, single submitter. Criteria: Invitae Variant Classification Sherloc (09022015). Collection method: clinical testing. Allele origin: germline.
Comment: This sequence change replaces aspartic acid, which is acidic and polar, with tyrosine, which is neutral and polar, at codon 206 of the KCNA1 protein (p.Asp206Tyr). This variant is not present in population databases (gnomAD no frequency). This variant has not been reported in the literature in individuals affected with KCNA1-related conditions. Advanced modeling of protein sequence and biophysical properties (such as structural, functional, and spatial information, amino acid conservation, physicochemical variation, residue mobility, and thermodynamic stability) performed at Invitae indicates that this missense variant is not expected to disrupt KCNA1 protein function with a negative predictive value of 95%. In summary, the available evidence is currently insufficient to determine the role of this variant in disease. Therefore, it has been classified as a Variant of Uncertain Significance.

NM_000217.3(KCNA1):c.616G>T (p.Asp206Tyr)

Gene: KCNA1 (potassium voltage-gated channel subfamily A member 1; plus strand). Cytogenetic location: 12p13.32.
Variant type: single nucleotide variant.
Coding change: c.616G>T on transcript NM_000217.3 (MANE Select); coding-DNA position 616, G replaced by T.
Protein change: p.Asp206Tyr; replaces aspartic acid 206 with tyrosine.
Molecular consequence: missense variant.
Genome position (GRCh38, 1-based): chr12:4,911,994, G>T. VCF-style: chr12-4911994-G-T. GRCh37 (hg19) VCF-style: chr12-5021160-G-T.
Other names: short protein forms D206Y.
Identifiers: ClinVar variation 3635034 (VCV003635034.2).
Genomic context (GRCh38, chr12:4,911,994, plus strand): 5'-CTGGAGACGCTCCCCGAGCTGAAGGATGACAAGGACTTCACGGGCACCGTCCACCGCATC[G>T]ACAACACCACGGTCATCTACAATTCCAACATCTTCACAGACCCCTTCTTCATCGTGGAAA-3'
Protein context (NP_000208.2, residues 196-216): KDFTGTVHRI[Asp206Tyr]NTTVIYNSNI